The following is an entry in ClinVar:

NM_000136.3(FANCC):c.1300G>T (p.Asp434Tyr)

Genes: AOPEP (aminopeptidase O (putative); plus strand), FANCC (FA complementation group C; minus strand). Cytogenetic location: 9q22.32.
Variant type: single nucleotide variant.
Coding change: c.1300G>T on transcript NM_000136.3 (MANE Select); coding-DNA position 1300, G replaced by T.
Protein change: p.Asp434Tyr; replaces aspartic acid 434 with tyrosine.
Molecular consequence: missense variant.
Genome position (GRCh38, 1-based): chr9:95,111,492, C>A on the plus strand (G>T on the coding strand, the complement: FANCC is on the minus strand). VCF-style: chr9-95111492-C-A. GRCh37 (hg19) VCF-style: chr9-97873774-C-A.
Other names: c.1300G>T, p.Asp434Tyr (NM_001243743.2, NM_001243744.2); short protein forms D434Y.
Identifiers: ClinVar variation 818850 (VCV000818850.4), dbSNP rs864622522, ClinGen allele CA374107280.

ClinVar aggregate classification (germline): Uncertain significance (1 of 4 stars; one submission).

Conditions:
Hereditary cancer-predisposing syndrome. Also called: Tumor predisposition; Hereditary neoplastic syndrome; Neoplastic Syndromes, Hereditary; Hereditary Cancer Syndrome. Identifiers: Orphanet 140162, MedGen C0027672, MeSH D009386, MONDO:0015356.

Submission:

Ambry Genetics
Classification: Uncertain significance for Hereditary cancer-predisposing syndrome. Last evaluated: 2019-10-22. Review status: criteria provided, single submitter. Criteria: Ambry Variant Classification Scheme 2023. Collection method: clinical testing. Allele origin: germline.
Comment: The p.D434Y variant (also known as c.1300G>T), located in coding exon 12 of the FANCC gene, results from a G to T substitution at nucleotide position 1300. The aspartic acid at codon 434 is replaced by tyrosine, an amino acid with highly dissimilar properties. This amino acid position is not well conserved in available vertebrate species. In addition, this alteration is predicted to be tolerated by in silico analysis. Since supporting evidence is limited at this time, the clinical significance of this alteration remains unclear.